The following is an entry in ClinVar:

NM_000384.3(APOB):c.5110G>A (p.Ala1704Thr)

Gene: APOB (apolipoprotein B; minus strand). Cytogenetic location: 2p24.1.
Variant type: single nucleotide variant.
Coding change: c.5110G>A on transcript NM_000384.3 (MANE Select); coding-DNA position 5110, G replaced by A.
Protein change: p.Ala1704Thr; replaces alanine 1704 with threonine.
Molecular consequence: missense variant.
Genome position (GRCh38, 1-based): chr2:21,011,758, C>T on the plus strand (G>A on the coding strand, the complement: APOB is on the minus strand). VCF-style: chr2-21011758-C-T. GRCh37 (hg19) VCF-style: chr2-21234630-C-T.
Other names: short protein forms A1704T.
Identifiers: ClinVar variation 630299 (VCV000630299.15), dbSNP rs142638069, ClinGen allele CA061694.

ClinVar aggregate classification (germline): Conflicting classifications of pathogenicity. Review status: criteria provided, conflicting classifications (1 of 4 stars). 4 submissions from 4 submitters: Uncertain significance (1); Likely benign (3). Last evaluated 2025-12-31.

Conditions:
APOB-related disorder. Also called: APOB-related condition; APOB-related disorders.
Cardiovascular phenotype. Identifiers: MedGen CN230736.
Familial hypobetalipoproteinemia 1. Also called: Hypobetalipoproteinemia, normotriglyceridemic; Acanthocytosis with hypobetalipoproteinemia; APOB-Related Familial Hypobetalipoproteinemia. Identifiers: MedGen C4551990, MONDO:0014252, OMIM 615558.
Hypercholesterolemia, autosomal dominant, type B (FHCL2). Also called: Familial Hypercholesterolemia Type B; APOLIPOPROTEIN B-100, FAMILIAL DEFECTIVE; APOLIPOPROTEIN B-100, FAMILIAL LIGAND-DEFECTIVE; Hyperlipoproteinemia Type IIb; HYPERCHOLESTEROLEMIA, FAMILIAL, DUE TO LIGAND-DEFECTIVE APOLIPOPROTEIN B; APOB-Related Familial Hypercholesterolemia, Autosomal Dominant. Identifiers: MedGen C1704417, MONDO:0007751, OMIM 144010.

Allele frequency attached by ClinVar (database versions not stated): ESP Exome Variant Server 0.00023; gnomAD 0.00044 and 0.00047; TOPMed 0.00044; 1000 Genomes Project 0.00060; 1000 Genomes Project 30x 0.00078.
gnomAD v4.1: 133 of 1,614,078 alleles (0.0082%); highest among the groups gnomAD compares: African/African-American, 0.13%; no homozygotes.

Submissions (4):

Labcorp Genetics (formerly Invitae), Labcorp
Classification: Likely benign for Familial hypobetalipoproteinemia 1; Hypercholesterolemia, autosomal dominant, type B. Last evaluated: 2025-12-31. Review status: criteria provided, single submitter. Criteria: Invitae Variant Classification Sherloc (09022015). Collection method: clinical testing. Allele origin: germline.

PreventionGenetics, part of Exact Sciences
Classification: Uncertain significance for APOB-related condition. Last evaluated: 2025-12-01. Review status: criteria provided, single submitter. Criteria: ACMG Guidelines, 2015. Collection method: clinical testing. Allele origin: germline.
Comment: The APOB c.5110G>A variant is predicted to result in the amino acid substitution p.Ala1704Thr. This variant was reported in an individual with hypercholesterolemia (Supplemental Table 2, Noto et al. 2022. PubMed ID: 35339733). This variant is reported in 0.15% of alleles in individuals of African descent in gnomAD. At this time, the clinical significance of this variant is uncertain due to the absence of conclusive functional and genetic evidence.

Quest Diagnostics Nichols Institute San Juan Capistrano
Classification: Likely benign. Last evaluated: 2025-09-24. Review status: criteria provided, single submitter. Criteria: Quest Diagnostics criteria. Collection method: clinical testing. Allele origin: unknown.

Ambry Genetics
Classification: Likely benign for Cardiovascular phenotype. Last evaluated: 2021-08-10. Review status: criteria provided, single submitter. Criteria: Ambry Variant Classification Scheme 2023. Collection method: clinical testing. Allele origin: germline.

Literature cited by the submitters: PubMed 24719370 (cited by Quest Diagnostics Nichols Institute San Juan Capistrano); PubMed 30122538 (cited by Quest Diagnostics Nichols Institute San Juan Capistrano); PubMed 26551670 (cited by Quest Diagnostics Nichols Institute San Juan Capistrano); PubMed 35339733 (cited by Quest Diagnostics Nichols Institute San Juan Capistrano).